The following is an entry in ClinVar:

ClinVar aggregate classification (germline): Pathogenic. Review status: reviewed by expert panel (3 of 4 stars). 2 submissions from 2 submitters: Pathogenic (1). 1 of the submissions does not count toward it. Last evaluated 2017-12-15.

Conditions:
Breast-ovarian cancer, familial, susceptibility to, 2 (BROVCA2). Also called: BRCA2 Hereditary Breast and Ovarian Cancer. Identifiers: Orphanet 145, MedGen C2675520, MONDO:0012933, OMIM 612555. Disease mechanism: loss of function.

Submissions (2):

Evidence-based Network for the Interpretation of Germline Mutant Alleles (ENIGMA)
Classification: Pathogenic for Breast-ovarian cancer, familial, susceptibility to, 2. Last evaluated: 2017-12-15. Review status: reviewed by expert panel. Criteria: ENIGMA BRCA1/2 Classification Criteria (2017-06-29). Collection method: curation. Allele origin: germline. Study: ENIGMA.
Comment: Variant allele predicted to encode a truncated non-functional protein.

GeneDx
Classification: Pathogenic. Last evaluated: 2016-06-06. Review status: criteria provided, single submitter. Criteria: GeneDx Variant Classification (06012015). Collection method: clinical testing. Allele origin: germline. Affected: yes. Not counted in ClinVar's aggregate classification.
Comment: This deletion of 2 nucleotides in BRCA2 is denoted c.267_268delGC at the cDNA level and p.Leu90ValfsX10 (L90VfsX10) at the protein level. Using alternate nomenclature, this variant is also known as BRCA2 495delGC. The normal sequence, with the bases that are deleted in braces, is TGCC[GC]TGTA. The deletion causes a frameshift which changes a Leucine to a Valine at codon 90, and creates a premature stop codon at position 10 of the new reading frame. Although this variant has not, to our knowledge, been reported in the literature, it is predicted to cause loss of normal protein function through either protein truncation or nonsense-mediated mRNA decay. We consider it to be pathogenic.

NM_000059.4(BRCA2):c.267_268del (p.Leu90fs)

Gene: BRCA2 (BRCA2 DNA repair associated; plus strand). Cytogenetic location: 13q13.1.
Variant type: Deletion.
Coding change: c.267_268del on transcript NM_000059.4 (MANE Select); coding-DNA positions 267 to 268, 2 bases deleted (GC; older notation c.267_268delGC).
Protein change: p.Leu90fs; shifts the reading frame from leucine 90.
Molecular consequence: frameshift variant.
Genome position (GRCh38, 1-based): chr13:32,319,276-32,319,277, GC deleted; deleting any 2 consecutive bases within chr13:32,319,275-32,319,277 gives the same sequence; the c. name uses the placement nearest the transcript's 3' end. VCF-style (leftmost placement, unchanged base first): chr13-32319274-CCG-C. GRCh37 (hg19) VCF-style: chr13-32893411-CCG-C.
Other names: c.267_268delGC (NM_000059.3); short protein forms L90fs.
Identifiers: ClinVar variation 421301 (VCV000421301.4), dbSNP rs1064795043, ClinGen allele CA16619640.